The following is an entry in ClinVar:

NM_152383.5(DIS3L2):c.1994G>T (p.Cys665Phe)

Gene: DIS3L2 (DIS3 like 3'-5' exoribonuclease 2; plus strand). Cytogenetic location: 2q37.1.
Variant type: single nucleotide variant.
Coding change: c.1994G>T on transcript NM_152383.5 (MANE Select); coding-DNA position 1994, G replaced by T.
Protein change: p.Cys665Phe; replaces cysteine 665 with phenylalanine.
Molecular consequence: missense variant. On other transcripts: non-coding transcript variant (2), intron variant (1).
Genome position (GRCh38, 1-based): chr2:232,330,760, G>T. VCF-style: chr2-232330760-G-T. GRCh37 (hg19) VCF-style: chr2-233195470-G-T.
Other names: c.1582-12585G>T (NM_001257281.2); short protein forms C665F.
Identifiers: ClinVar variation 1403445 (VCV001403445.7), dbSNP rs778990530, ClinGen allele CA350976734.

ClinVar aggregate classification (germline): Uncertain significance (1 of 4 stars; one submission).

Conditions:
Perlman syndrome (PRLMNS). Identifiers: Orphanet 2849, MedGen C0796113, MONDO:0009965, OMIM 267000.

gnomAD v4.1: 1 of 1,612,090 alleles (0.000062%); highest among the groups gnomAD compares: African/African-American, 0.0013%; no homozygotes.

Submission:

Labcorp Genetics (formerly Invitae), Labcorp
Classification: Uncertain significance for Perlman syndrome. Last evaluated: 2022-03-19. Review status: criteria provided, single submitter. Criteria: Invitae Variant Classification Sherloc (09022015). Collection method: clinical testing. Allele origin: germline.
Comment: This variant is not present in population databases (gnomAD no frequency). In summary, the available evidence is currently insufficient to determine the role of this variant in disease. Therefore, it has been classified as a Variant of Uncertain Significance. Algorithms developed to predict the effect of missense changes on protein structure and function output the following: SIFT: "Tolerated"; PolyPhen-2: "Benign"; Align-GVGD: "Class C0". The phenylalanine amino acid residue is found in multiple mammalian species, which suggests that this missense change does not adversely affect protein function. This variant has not been reported in the literature in individuals affected with DIS3L2-related conditions. This sequence change replaces cysteine, which is neutral and slightly polar, with phenylalanine, which is neutral and non-polar, at codon 665 of the DIS3L2 protein (p.Cys665Phe).